The following is an entry in ClinVar:

ClinVar aggregate classification (germline): Uncertain significance (1 of 4 stars; one submission).

Allele frequency attached by ClinVar (database versions not stated): TOPMed below 0.00001; gnomAD 0.00001.
gnomAD v4.1: 1 of 1,613,116 alleles (0.000062%); highest among the groups gnomAD compares: African/African-American, 0.0013%; no homozygotes.

Submission:

Labcorp Genetics (formerly Invitae), Labcorp
Classification: Uncertain significance. Last evaluated: 2022-05-05. Review status: criteria provided, single submitter. Criteria: Invitae Variant Classification Sherloc (09022015). Collection method: clinical testing. Allele origin: germline.
Comment: This variant has not been reported in the literature in individuals affected with ADAMTS13-related conditions. This variant is not present in population databases (gnomAD no frequency). This sequence change replaces histidine, which is basic and polar, with tyrosine, which is neutral and polar, at codon 1196 of the ADAMTS13 protein (p.His1196Tyr). Algorithms developed to predict the effect of missense changes on protein structure and function output the following: SIFT: "Tolerated"; PolyPhen-2: "Benign"; Align-GVGD: "Class C0". The tyrosine amino acid residue is found in multiple mammalian species, which suggests that this missense change does not adversely affect protein function. In summary, the available evidence is currently insufficient to determine the role of this variant in disease. Therefore, it has been classified as a Variant of Uncertain Significance.

NM_139027.6(ADAMTS13):c.3418C>T (p.His1140Tyr)

Gene: ADAMTS13 (ADAM metallopeptidase with thrombospondin type 1 motif 13; plus strand). Cytogenetic location: 9q34.2.
Variant type: single nucleotide variant.
Coding change: c.3418C>T on transcript NM_139027.6 (MANE Select); coding-DNA position 3418, C replaced by T.
Protein change: p.His1140Tyr; replaces histidine 1140 with tyrosine.
Molecular consequence: missense variant. On other transcripts: non-coding transcript variant (1).
Genome position (GRCh38, 1-based): chr9:133,456,086, C>T. VCF-style: chr9-133456086-C-T. GRCh37 (hg19) VCF-style: chr9-136321208-C-T.
Other names: c.3586C>T, p.His1196Tyr (NM_139025.5); c.3325C>T, p.His1109Tyr (NM_139026.6); short protein forms H1109Y, H1140Y, H1196Y.
Identifiers: ClinVar variation 2134216 (VCV002134216.4), dbSNP rs1246548148, ClinGen allele CA375414770.